The following is an entry in ClinVar:

ClinVar aggregate classification (germline): Uncertain significance (1 of 4 stars; one submission).

Conditions:
COG1 congenital disorder of glycosylation (CDG2G). Also called: CDGII/COG1 CEREBROCOSTOMANDIBULAR-LIKE SYNDROME; CONGENITAL DISORDER OF GLYCOSYLATION, TYPE IIg; CDG IIg. Identifiers: Orphanet 263508, MedGen C2931011, MONDO:0012637, OMIM 611209.

Allele frequency attached by ClinVar (database versions not stated): gnomAD exomes below 0.00001 and 0.00001; ExAC 0.00001; TOPMed 0.00001.
gnomAD v4.1: 2 of 1,614,164 alleles (0.00012%); highest among the groups gnomAD compares: Non-Finnish European, 0.00017%; no homozygotes.

Submission:

Labcorp Genetics (formerly Invitae), Labcorp
Classification: Uncertain significance for COG1 congenital disorder of glycosylation. Last evaluated: 2021-05-04. Review status: criteria provided, single submitter. Criteria: Invitae Variant Classification Sherloc (09022015). Collection method: clinical testing. Allele origin: germline.
Comment: This variant is present in population databases (rs748475815, ExAC 0.001%). This sequence change creates a premature translational stop signal (p.Gln956*) in the COG1 gene. While this is not anticipated to result in nonsense mediated decay, it is expected to disrupt the last 25 amino acid(s) of the COG1 protein. This variant has not been reported in the literature in individuals with COG1-related conditions. In summary, the available evidence is currently insufficient to determine the role of this variant in disease. Therefore, it has been classified as a Variant of Uncertain Significance. Experimental studies and prediction algorithms are not available or were not evaluated, and the functional significance of this variant is currently unknown.

NM_018714.3(COG1):c.2866C>T (p.Gln956Ter)

Genes: VCF1 (VCP nuclear cofactor family member 1; minus strand), COG1 (component of oligomeric golgi complex 1; plus strand). Cytogenetic location: 17q25.1.
Variant type: single nucleotide variant.
Coding change: c.2866C>T on transcript NM_018714.3 (MANE Select); coding-DNA position 2866, C replaced by T.
Protein change: p.Gln956Ter; replaces glutamine 956 with a stop codon.
Molecular consequence: nonsense. On other transcripts: 3 prime UTR variant (5).
Genome position (GRCh38, 1-based): chr17:73,208,374, C>T. VCF-style: chr17-73208374-C-T. GRCh37 (hg19) VCF-style: chr17-71204513-C-T.
Other names: c.*1155G>A (NM_001098832.2, NM_001289412.2, NM_032837.3); c.*1304G>A (NM_001289410.1, NM_001289411.1); short protein forms Q956*.
Identifiers: ClinVar variation 1365539 (VCV001365539.6), dbSNP rs748475815, ClinGen allele CA8740691.